The following is an entry in ClinVar:

ClinVar aggregate classification (germline): Conflicting classifications of pathogenicity. Review status: criteria provided, conflicting classifications (1 of 4 stars). 5 submissions from 5 submitters: Uncertain significance (4); Likely benign (1). Last evaluated 2026-01-20.

Conditions:
MET-related disorder. Also called: MET-related condition.
Renal cell carcinoma. Identifiers: Orphanet 217071, MedGen C0007134, MeSH D002292, MONDO:0005086, HP:0005584.
Hereditary cancer-predisposing syndrome. Also called: Neoplastic Syndromes, Hereditary; Tumor predisposition; Hereditary neoplastic syndrome; Hereditary Cancer Syndrome. Identifiers: Orphanet 140162, MedGen C0027672, MeSH D009386, MONDO:0015356.
Autosomal recessive nonsyndromic hearing loss 97. Also called: Deafness, autosomal recessive 97. Identifiers: Orphanet 90636, MedGen C4084709, MONDO:0014739, OMIM 616705.

Allele frequency attached by ClinVar (database versions not stated): gnomAD exomes 0.00001.
gnomAD v4.1: 19 of 1,613,706 alleles (0.0012%); highest among the groups gnomAD compares: Middle Eastern, 0.016%; no homozygotes.

Submissions (5):

Labcorp Genetics (formerly Invitae), Labcorp
Classification: Uncertain significance for Renal cell carcinoma. Last evaluated: 2026-01-20. Review status: criteria provided, single submitter. Criteria: Invitae Variant Classification Sherloc (09022015). Collection method: clinical testing. Allele origin: germline.
Comment: This sequence change replaces isoleucine, which is neutral and non-polar, with valine, which is neutral and non-polar, at codon 778 of the MET protein (p.Ile778Val). This variant is present in population databases (rs786202191, gnomAD 0.002%). This variant has not been reported in the literature in individuals affected with MET-related conditions. ClinVar contains an entry for this variant (Variation ID: 185464). Invitae Evidence Modeling of protein sequence and biophysical properties (such as structural, functional, and spatial information, amino acid conservation, physicochemical variation, residue mobility, and thermodynamic stability) indicates that this missense variant is not expected to disrupt MET protein function with a negative predictive value of 80%. In summary, the available evidence is currently insufficient to determine the role of this variant in disease. Therefore, it has been classified as a Variant of Uncertain Significance.

Center for Genomic Medicine, Rigshospitalet, Copenhagen University Hospital
Classification: Uncertain significance. Last evaluated: 2025-03-04. Review status: criteria provided, single submitter. Criteria: ACMG Guidelines, 2015. Collection method: clinical testing. Allele origin: germline.

PreventionGenetics, part of Exact Sciences
Classification: Uncertain significance for MET-related condition. Last evaluated: 2025-02-19. Review status: criteria provided, single submitter. Criteria: ACMG Guidelines, 2015. Collection method: clinical testing. Allele origin: germline.
Comment: The MET c.2332A>G variant is predicted to result in the amino acid substitution p.Ile778Val. To our knowledge, this variant has not been reported in the literature. This variant is reported in 0.0018% of alleles in individuals of European (Non-Finnish) descent in gnomAD. At this time, the clinical significance of this variant is uncertain due to the absence of conclusive functional and genetic evidence.

Baylor Genetics
Classification: Uncertain significance for Autosomal recessive nonsyndromic hearing loss 97. Last evaluated: 2024-03-04. Review status: criteria provided, single submitter. Criteria: ACMG Guidelines, 2015. Collection method: clinical testing. Allele origin: unknown.

Ambry Genetics
Classification: Likely benign for Hereditary cancer-predisposing syndrome. Last evaluated: 2015-10-29. Review status: criteria provided, single submitter. Criteria: Ambry Variant Classification Scheme 2023. Collection method: clinical testing. Allele origin: germline.

NM_000245.4(MET):c.2278A>G (p.Ile760Val)

Gene: MET (MET proto-oncogene, receptor tyrosine kinase; plus strand). Cytogenetic location: 7q31.2.
Variant type: single nucleotide variant.
Coding change: c.2278A>G on transcript NM_000245.4 (MANE Select); coding-DNA position 2278, A replaced by G.
Protein change: p.Ile760Val; replaces isoleucine 760 with valine.
Molecular consequence: missense variant.
Genome position (GRCh38, 1-based): chr7:116,759,404, A>G. VCF-style: chr7-116759404-A-G. GRCh37 (hg19) VCF-style: chr7-116399458-A-G.
Other names: c.2332A>G (NM_001127500.2); c.2332A>G, p.Ile778Val (NM_001127500.3); c.2278A>G, p.Ile760Val (NM_001324401.3); c.988A>G, p.Ile330Val (NM_001324402.2); short protein forms I778V, I760V, I330V.
Identifiers: ClinVar variation 185464 (VCV000185464.18), dbSNP rs786202191, ClinGen allele CA192028.